The following is an entry in ClinVar:

ClinVar aggregate classification (germline): Uncertain significance (1 of 4 stars; one submission).

Conditions:
Inborn genetic diseases. Identifiers: MedGen C0950123, MeSH D030342.

Submission:

Ambry Genetics
Classification: Uncertain significance for Inborn genetic diseases. Last evaluated: 2019-03-13. Review status: criteria provided, single submitter. Criteria: Ambry Variant Classification Scheme 2023. Collection method: clinical testing. Allele origin: germline.
Comment: The alteration results in an amino acid change:_x000D_ _x000D_ The c.3596G>A (p.G1199D) alteration is located in coding exon 22 of the CHD3 gene. This alteration results from a G to A substitution at nucleotide position 3596, causing the glycine (G) at amino acid position 1199 to be replaced by an aspartic acid (D). The alteration is not observed in healthy cohorts:_x000D_ _x000D_ Based on data from the Genome Aggregation Database (gnomAD), the CHD3 c.3596G>A alteration was not observed, with coverage at this position. The altered amino acid is conserved throughout evolution:_x000D_ _x000D_ The p.G1199 amino acid is conserved in available vertebrate species. The amino acid is located in a functionally important protein domain:_x000D_ _x000D_ The p.G1199 amino acid is part of the highly conserved helicase &ldquo;STRAGGLG&rdquo; motif called motif V, which is located in the helicase/ATPase domain of CHD3 and found to play an important role in coupling ATP hydrolysis to the chromatin remodeling function of proteins belonging to the different subfamilies of chromatin modifiers (Smith, 2005). Deletion of this 8-residue motif within the SWI/SNF ATPase domain did not interfere with the DNA-dependent ATP hydrolysis function of the protein but severely reduced duplex unwinding and nucleosome sliding activity required for chromatin remodeling, thus resulting in a null phenotype in vivo in yeast (Smith, 2005). However, single nucleotide substitutions at two of the residues within this motif had less severe effects on the function of the protein as compared to deletion of the entire motif (Richmond, 1996). The alteration is predicted deleterious by in silico models:_x000D_ _x000D_ The p.G1199D alteration is predicted to be probably damaging by Polyphen and deleterious by SIFT in silico analyses. Based on insufficient or conflicting evidence, the clinical significance of this alteration remains unclear.

Literature cited by the submitters: PubMed 8871545; PubMed 15988005.

NM_001005273.3(CHD3):c.3419G>A (p.Gly1140Asp)

Gene: CHD3 (chromodomain helicase DNA binding protein 3; plus strand). Cytogenetic location: 17p13.1.
Variant type: single nucleotide variant.
Coding change: c.3419G>A on transcript NM_001005273.3 (MANE Select); coding-DNA position 3419, G replaced by A.
Protein change: p.Gly1140Asp; replaces glycine 1140 with aspartic acid.
Molecular consequence: missense variant.
Genome position (GRCh38, 1-based): chr17:7,902,985, G>A. VCF-style: chr17-7902985-G-A. GRCh37 (hg19) VCF-style: chr17-7806303-G-A.
Other names: c.3596G>A, p.Gly1199Asp (NM_001005271.3); c.3419G>A, p.Gly1140Asp (NM_005852.4); short protein forms G1199D, G1140D.
Identifiers: ClinVar variation 521131 (VCV000521131.5), dbSNP rs1555612459, ClinGen allele CA397941839.
Genomic context (GRCh38, chr17:7,902,985, plus strand): 5'-CTCACCTCCTAGCTCCTGGGGCCCAACAATTCTGCTTCCTCCTGTCCACCCGAGCTGGGG[G>A]CCTGGGCATCAATCTGGCCACTGCTGACACTGTCATCATCTTTGATTCTGACTGGAACCC-3'
Protein context (NP_001005273.1, residues 1130-1150): FCFLLSTRAG[Gly1140Asp]LGINLATADT